The following is an entry in ClinVar:

NM_206933.4(USH2A):c.4478del (p.Leu1493fs)

Gene: USH2A (usherin; minus strand). Cytogenetic location: 1q41.
Variant type: Deletion.
Coding change: c.4478del on transcript NM_206933.4 (MANE Select); coding-DNA position 4478, one base deleted (T; older notation c.4478delT).
Protein change: p.Leu1493fs; shifts the reading frame from leucine 1493.
Molecular consequence: frameshift variant.
Genome position (GRCh38, 1-based): chr1:216,175,401, A deleted on the plus strand (T on the coding strand, the reverse complement: USH2A is on the minus strand). VCF-style (leftmost placement, unchanged base first): chr1-216175400-CA-C. GRCh37 (hg19) VCF-style: chr1-216348742-CA-C.
Other names: c.4478del, p.Leu1493fs (NM_007123.6); short protein forms L1493fs.
Identifiers: ClinVar variation 2679464 (VCV002679464.4), dbSNP rs2527987608, ClinGen allele CA2695199978.

ClinVar aggregate classification (germline): Pathogenic/Likely pathogenic. Review status: criteria provided, multiple submitters, no conflicts (2 of 4 stars). 2 submissions from 2 submitters: Pathogenic (1); Likely pathogenic (1). Last evaluated 2023-09-01.

Conditions:
Retinitis pigmentosa 39 (RP39). Identifiers: Orphanet 791, MedGen C3151138, MONDO:0013436, OMIM 613809.

Submissions (2):

Baylor Genetics
Classification: Likely pathogenic for Retinitis pigmentosa 39. Last evaluated: 2023-09-01. Review status: criteria provided, single submitter. Criteria: ACMG Guidelines, 2015. Collection method: clinical testing. Allele origin: unknown.

Labcorp Genetics (formerly Invitae), Labcorp
Classification: Pathogenic. Last evaluated: 2023-06-24. Review status: criteria provided, single submitter. Criteria: Invitae Variant Classification Sherloc (09022015). Collection method: clinical testing. Allele origin: germline.
Comment: For these reasons, this variant has been classified as Pathogenic. This variant has not been reported in the literature in individuals affected with USH2A-related conditions. This variant is not present in population databases (gnomAD no frequency). This sequence change creates a premature translational stop signal (p.Leu1493Argfs*20) in the USH2A gene. It is expected to result in an absent or disrupted protein product. Loss-of-function variants in USH2A are known to be pathogenic (PMID: 10729113, 10909849, 20507924, 25649381).

Literature cited by the submitters: PubMed 10729113 (cited by Labcorp Genetics (formerly Invitae), Labcorp); PubMed 10909849 (cited by Labcorp Genetics (formerly Invitae), Labcorp); PubMed 20507924 (cited by Labcorp Genetics (formerly Invitae), Labcorp); PubMed 25649381 (cited by Labcorp Genetics (formerly Invitae), Labcorp).